The following is an entry in ClinVar:

ClinVar aggregate classification (germline): Uncertain significance (1 of 4 stars; one submission).

Conditions:
Neuropathy, hereditary sensory, type 2C. Also called: Hereditary sensory and autonomic neuropathy type IIC; KIF1A-Related HSAN2 (HSAN2C). Identifiers: Orphanet 970, MedGen C3280168, MONDO:0013634, OMIM 614213.
Hereditary spastic paraplegia 30. Identifiers: Orphanet 101010, MedGen C5235139, MONDO:0012476.
Intellectual disability, autosomal dominant 9 (NESCAVS). Also called: NESCAV SYNDROME; KIF1A-Related Neurodevelopmental Disorder. Identifiers: Orphanet 662367, MedGen C5393830, MONDO:0013656, OMIM 614255.

Submission:

Labcorp Genetics (formerly Invitae), Labcorp
Classification: Uncertain significance for Hereditary spastic paraplegia 30; Neuropathy, hereditary sensory, type 2C; Intellectual disability, autosomal dominant 9. Last evaluated: 2023-12-25. Review status: criteria provided, single submitter. Criteria: Invitae Variant Classification Sherloc (09022015). Collection method: clinical testing. Allele origin: germline.
Comment: This sequence change replaces glutamic acid, which is acidic and polar, with aspartic acid, which is acidic and polar, at codon 705 of the KIF1A protein (p.Glu705Asp). This variant is not present in population databases (gnomAD no frequency). This variant has not been reported in the literature in individuals affected with KIF1A-related conditions. Advanced modeling of protein sequence and biophysical properties (such as structural, functional, and spatial information, amino acid conservation, physicochemical variation, residue mobility, and thermodynamic stability) has been performed at Invitae for this missense variant, however the output from this modeling did not meet the statistical confidence thresholds required to predict the impact of this variant on KIF1A protein function. In summary, the available evidence is currently insufficient to determine the role of this variant in disease. Therefore, it has been classified as a Variant of Uncertain Significance.

NM_001244008.2(KIF1A):c.2142G>C (p.Glu714Asp)

Gene: KIF1A (kinesin family member 1A; minus strand). Cytogenetic location: 2q37.3.
Variant type: single nucleotide variant.
Coding change: c.2142G>C on transcript NM_001244008.2 (MANE Select); coding-DNA position 2142, G replaced by C.
Protein change: p.Glu714Asp; replaces glutamic acid 714 with aspartic acid.
Molecular consequence: missense variant.
Genome position (GRCh38, 1-based): chr2:240,761,352, C>G on the plus strand (G>C on the coding strand, the complement: KIF1A is on the minus strand). VCF-style: chr2-240761352-C-G. GRCh37 (hg19) VCF-style: chr2-241700769-C-G.
Other names: c.2142G>C, p.Glu714Asp (NM_001320705.2, NM_001330289.2, NM_001379638.1); c.2217G>C, p.Glu739Asp (NM_001330290.2, NM_001379631.1, NM_001379634.1 and 2 more transcripts); c.2115G>C, p.Glu705Asp (NM_001379632.1, NM_001379633.1, NM_001379636.1 and 11 more transcripts); c.2190G>C, p.Glu730Asp (NM_001379637.1, NM_001379648.1); short protein forms E739D, E730D, E705D, E714D.
Identifiers: ClinVar variation 2921704 (VCV002921704.3), dbSNP rs2537620393, ClinGen allele CA351325580.